The following is an entry in ClinVar:

ClinVar aggregate classification (germline): Uncertain significance (1 of 4 stars; one submission).

Conditions:
Bardet-Biedl syndrome (BBS). Identifiers: Orphanet 110, MedGen C0752166, MONDO:0015229.

gnomAD v4.1: 1 of 1,611,974 alleles (0.000062%); highest among the groups gnomAD compares: African/African-American, 0.0013%; no homozygotes.

Submission:

Labcorp Genetics (formerly Invitae), Labcorp
Classification: Uncertain significance for Bardet-Biedl syndrome. Last evaluated: 2021-11-12. Review status: criteria provided, single submitter. Criteria: Invitae Variant Classification Sherloc (09022015). Collection method: clinical testing. Allele origin: germline.
Comment: In summary, the available evidence is currently insufficient to determine the role of this variant in disease. Therefore, it has been classified as a Variant of Uncertain Significance. Algorithms developed to predict the effect of missense changes on protein structure and function are either unavailable or do not agree on the potential impact of this missense change (SIFT: "Deleterious"; PolyPhen-2: "Benign"; Align-GVGD: "Class C0"). This variant has not been reported in the literature in individuals affected with BBS4-related conditions. This variant is not present in population databases (gnomAD no frequency). This sequence change replaces glycine, which is neutral and non-polar, with arginine, which is basic and polar, at codon 487 of the BBS4 protein (p.Gly487Arg).

NM_033028.5(BBS4):c.1459G>C (p.Gly487Arg)

Gene: BBS4 (Bardet-Biedl syndrome 4; plus strand). Cytogenetic location: 15q24.1.
Variant type: single nucleotide variant.
Coding change: c.1459G>C on transcript NM_033028.5 (MANE Select); coding-DNA position 1459, G replaced by C.
Protein change: p.Gly487Arg; replaces glycine 487 with arginine.
Molecular consequence: missense variant. On other transcripts: non-coding transcript variant (2).
Genome position (GRCh38, 1-based): chr15:72,737,486, G>C. VCF-style: chr15-72737486-G-C. GRCh37 (hg19) VCF-style: chr15-73029827-G-C.
Other names: c.943G>C, p.Gly315Arg (NM_001252678.2); c.1390G>C, p.Gly464Arg (NM_001320665.2); short protein forms G315R, G464R, G487R.
Identifiers: ClinVar variation 1488361 (VCV001488361.6), dbSNP rs2151058260, ClinGen allele CA393081149.